The following is an entry in ClinVar:

ClinVar aggregate classification (germline): Conflicting classifications of pathogenicity. Review status: criteria provided, conflicting classifications (1 of 4 stars). 10 submissions from 10 submitters: Uncertain significance (8); Likely benign (2). Last evaluated 2025-12-08.

Conditions:
Inborn genetic diseases. Identifiers: MedGen C0950123, MeSH D030342.
Charcot-Marie-Tooth disease. Also called: Charcot-Marie-Tooth Hereditary Neuropathy; Charcot-Marie-Tooth Neuropathy. Identifiers: Orphanet 166, MedGen C0007959, MONDO:0015626.
Charcot-Marie-Tooth disease type 4. Also called: Charcot-Marie-Tooth disease, type IV; Charcot-Marie-Tooth, Type 4. Identifiers: Orphanet 64749, MedGen C4082197, MONDO:0018995.
Charcot-Marie-Tooth disease type 4B1. Also called: Charcot-Marie-Tooth Neuropathy Type 4B1; CHARCOT-MARIE-TOOTH DISEASE, DEMYELINATING, TYPE 4B1; CHARCOT-MARIE-TOOTH DISEASE, AUTOSOMAL RECESSIVE, WITH FOCALLY FOLDED MYELIN SHEATHS, AUTOSOMAL RECESSIVE, TYPE 4B1; CHARCOT-MARIE-TOOTH DISEASE, TYPE 4B. Identifiers: Orphanet 99955, MedGen C1832399, MONDO:0011066, OMIM 601382.

Allele frequency attached by ClinVar (database versions not stated): ExAC 0.00043; gnomAD exomes 0.00044 and 0.00048; gnomAD 0.00050 and 0.00053; TOPMed 0.00074; ESP Exome Variant Server 0.00077.
gnomAD v4.1: 788 of 1,613,810 alleles (0.049%); highest among the groups gnomAD compares: Admixed American, 0.13%; 2 homozygotes.

Submissions (10):

Labcorp Genetics (formerly Invitae), Labcorp
Classification: Likely benign for Charcot-Marie-Tooth disease type 4. Last evaluated: 2025-12-08. Review status: criteria provided, single submitter. Criteria: Invitae Variant Classification Sherloc (09022015). Collection method: clinical testing. Allele origin: germline.

Mayo Clinic Laboratories, Mayo Clinic
Classification: Uncertain significance. Last evaluated: 2025-08-07. Review status: criteria provided, single submitter. Criteria: ACMG Guidelines, 2015. Collection method: clinical testing. Allele origin: germline. Observed: 2 variant alleles.
Comment: BS1

Athena Diagnostics
Classification: Likely benign. Last evaluated: 2024-08-30. Review status: criteria provided, single submitter. Criteria: Athena Diagnostics Criteria. Collection method: clinical testing. Allele origin: unknown.

GeneDx
Classification: Uncertain significance. Last evaluated: 2024-05-09. Review status: criteria provided, single submitter. Criteria: GeneDx Variant Classification Process June 2021. Collection method: clinical testing. Allele origin: germline. Affected: yes.
Comment: Observed in a patient with suspected CMT, however further clinical information was not provided (PMID: 32376792); In silico analysis supports that this missense variant has a deleterious effect on protein structure/function; This variant is associated with the following publications: (PMID: 23962696, 32376792)

CeGaT Center for Human Genetics Tuebingen
Classification: Uncertain significance. Last evaluated: 2024-03-01. Review status: criteria provided, single submitter. Criteria: CeGaT Center For Human Genetics Tuebingen Variant Classification Criteria Version 2. Collection method: clinical testing. Allele origin: germline. Affected: yes. Observed: 1 variant allele.

Ambry Genetics
Classification: Uncertain significance for Inborn genetic diseases. Last evaluated: 2022-05-02. Review status: criteria provided, single submitter. Criteria: Ambry Variant Classification Scheme 2023. Collection method: clinical testing. Allele origin: germline.
Comment: The p.E446K variant (also known as c.1336G>A), located in coding exon 11 of the MTMR2 gene, results from a G to A substitution at nucleotide position 1336. The glutamic acid at codon 446 is replaced by lysine, an amino acid with similar properties. This amino acid position is well conserved in available vertebrate species. In addition, the in silico prediction for this alteration is inconclusive. Since supporting evidence is limited at this time, the clinical significance of this alteration remains unclear.

Revvity Omics, Revvity
Classification: Uncertain significance for Charcot-Marie-Tooth disease type 4B1. Last evaluated: 2019-05-02. Review status: criteria provided, single submitter. Criteria: ACMG Guidelines, 2015. Collection method: clinical testing. Allele origin: germline.

Eurofins Ntd Llc (ga)
Classification: Uncertain significance. Last evaluated: 2018-03-08. Review status: criteria provided, single submitter. Criteria: EGL ClinVar v180209 classification definitions. Collection method: clinical testing. Allele origin: germline. Observed: 2 variant alleles, 2 heterozygotes.

Illumina Laboratory Services, Illumina
Classification: Uncertain significance for Charcot-Marie-Tooth disease type 4B1. Last evaluated: 2018-01-13. Review status: criteria provided, single submitter. Criteria: ICSL Variant Classification Criteria 13 December 2019. Collection method: clinical testing. Allele origin: germline.

Molecular Genetics Laboratory, London Health Sciences Centre
Classification: Uncertain significance for Charcot-Marie-Tooth disease. Review status: criteria provided, single submitter. Criteria: ACMG Guidelines, 2015. Collection method: clinical testing. Allele origin: germline. Affected: yes.

Literature cited by the submitters: PubMed 32376792 (cited by Mayo Clinic Laboratories, Mayo Clinic and Athena Diagnostics); PubMed 29590070 (cited by Athena Diagnostics).

NM_016156.6(MTMR2):c.1336G>A (p.Glu446Lys)

Gene: MTMR2 (myotubularin related protein 2; minus strand). Cytogenetic location: 11q21.
Variant type: single nucleotide variant.
Coding change: c.1336G>A on transcript NM_016156.6 (MANE Select); coding-DNA position 1336, G replaced by A.
Protein change: p.Glu446Lys; replaces glutamic acid 446 with lysine.
Molecular consequence: missense variant.
Genome position (GRCh38, 1-based): chr11:95,845,003, C>T on the plus strand (G>A on the coding strand, the complement: MTMR2 is on the minus strand). VCF-style: chr11-95845003-C-T. GRCh37 (hg19) VCF-style: chr11-95578167-C-T.
Other names: p.Glu446Lys; c.1120G>A, p.Glu374Lys (NM_001243571.2, NM_201278.3, NM_201281.3); short protein forms E446K, E374K.
Identifiers: ClinVar variation 234456 (VCV000234456.50), dbSNP rs146572467, ClinGen allele CA6240028.